The following is an entry in ClinVar:

ClinVar aggregate classification (germline): Conflicting classifications of pathogenicity. Review status: criteria provided, conflicting classifications (1 of 4 stars). 6 submissions from 6 submitters: Uncertain significance (2); Likely benign (3). 1 of the submissions does not count toward it. Last evaluated 2026-01-19.

Conditions:
Cardiovascular phenotype. Identifiers: MedGen CN230736.
SCN10A-related disorder. Also called: SCN10A-related condition.
Brugada syndrome. Also called: Sudden unexplained nocturnal death syndrome; Sudden Unexplained Death Syndrome; Sudden Unexplained Nocturnal Death Syndrome (SUNDS); Sudden unexpected nocturnal death syndrome. Identifiers: Orphanet 130, MedGen C1142166, MONDO:0015263.

Allele frequency attached by ClinVar (database versions not stated): gnomAD exomes 0.00001 and 0.00006; ExAC 0.00011; gnomAD 0.00029 and 0.00031; TOPMed 0.00033; ESP Exome Variant Server 0.00069.
gnomAD v4.1: 64 of 1,614,038 alleles (0.004%); highest among the groups gnomAD compares: African/African-American, 0.079%; no homozygotes.

Submissions (6):

Labcorp Genetics (formerly Invitae), Labcorp
Classification: Likely benign for Brugada syndrome. Last evaluated: 2026-01-19. Review status: criteria provided, single submitter. Criteria: Invitae Variant Classification Sherloc (09022015). Collection method: clinical testing. Allele origin: germline.

Women's Health and Genetics/Laboratory Corporation of America, LabCorp
Classification: Likely benign. Last evaluated: 2025-07-28. Review status: criteria provided, single submitter. Criteria: LabCorp Variant Classification Summary - May 2015. Collection method: clinical testing. Allele origin: germline.

GeneDx
Classification: Uncertain significance. Last evaluated: 2024-08-13. Review status: criteria provided, single submitter. Criteria: GeneDx Variant Classification Process June 2021. Collection method: clinical testing. Allele origin: germline. Affected: yes.
Comment: Has not been previously published as pathogenic or benign to our knowledge; In silico analysis indicates that this missense variant does not alter protein structure/function

Mayo Clinic Laboratories, Mayo Clinic
Classification: Uncertain significance. Last evaluated: 2022-08-03. Review status: criteria provided, single submitter. Criteria: ACMG Guidelines, 2015. Collection method: clinical testing. Allele origin: germline. Observed: 1 variant allele.
Comment: BS2

Ambry Genetics
Classification: Likely benign for Cardiovascular phenotype. Last evaluated: 2019-10-23. Review status: criteria provided, single submitter. Criteria: Ambry Variant Classification Scheme 2023. Collection method: clinical testing. Allele origin: germline.

PreventionGenetics, part of Exact Sciences
Classification: Likely benign for SCN10A-related condition. Last evaluated: 2023-12-18. Review status: no assertion criteria provided. Collection method: clinical testing. Allele origin: germline. Not counted in ClinVar's aggregate classification.
Comment: This variant is classified as likely benign based on ACMG/AMP sequence variant interpretation guidelines (Richards et al. 2015 PMID: 25741868, with internal and published modifications).

NM_006514.4(SCN10A):c.179G>A (p.Cys60Tyr)

Gene: SCN10A (sodium voltage-gated channel alpha subunit 10; minus strand). Cytogenetic location: 3p22.2.
Variant type: single nucleotide variant.
Coding change: c.179G>A on transcript NM_006514.4 (MANE Select); coding-DNA position 179, G replaced by A.
Protein change: p.Cys60Tyr; replaces cysteine 60 with tyrosine.
Molecular consequence: missense variant.
Genome position (GRCh38, 1-based): chr3:38,793,832, C>T on the plus strand (G>A on the coding strand, the complement: SCN10A is on the minus strand). VCF-style: chr3-38793832-C-T. GRCh37 (hg19) VCF-style: chr3-38835323-C-T.
Other names: p.Cys60Tyr; c.179G>A, p.Cys60Tyr (NM_001293306.2, NM_001293307.2); c.179G>A (NM_006514.2); short protein forms C60Y.
Identifiers: ClinVar variation 800188 (VCV000800188.20), dbSNP rs145900411, ClinGen allele CA2321290.